The following is an entry in ClinVar:

NM_031443.4(CCM2):c.915+10C>T

Gene: CCM2 (CCM2 scaffold protein; plus strand). Cytogenetic location: 7p13.
Variant type: single nucleotide variant.
Coding change: c.915+10C>T on transcript NM_031443.4 (MANE Select); 10 bases into the intron after coding-DNA position 915, C replaced by T.
Molecular consequence: intron variant.
Genome position (GRCh38, 1-based): chr7:45,073,581, C>T. VCF-style: chr7-45073581-C-T. GRCh37 (hg19) VCF-style: chr7-45113180-C-T.
Other names: c.1038+10C>T (NM_001363458.2); c.642+10C>T (NM_001167935.2); c.864+10C>T (NM_001363459.2); c.741+10C>T (NM_001167934.2); c.978+10C>T (NM_001029835.2).
Identifiers: ClinVar variation 3054951 (VCV003054951.2), dbSNP rs376694464, ClinGen allele CA4247179.
Genomic context (GRCh38, chr7:45,073,581, plus strand): 5'-AGCGAGCTGAGCGCCAGCGCCACTGAGCTGCTGCAGGACTACATGCTGACGGTAGGCCTC[C>T]GCTGCAGGGACGCTGGGCTGCATGAGGGAGGGGGTGCCCCAGGGAGGATGGGGGGAAGGG-3'

ClinVar aggregate classification (germline): Likely benign (0 of 4 stars; one submission).

Conditions:
CCM2-related disorder. Also called: CCM2-related condition.

Allele frequency attached by ClinVar (database versions not stated): ExAC 0.00006; gnomAD 0.00007; ESP Exome Variant Server 0.00008; TOPMed 0.00008.
gnomAD v4.1: 156 of 1,590,826 alleles (0.0098%); highest among the groups gnomAD compares: East Asian, 0.013%; no homozygotes.

Submission:

PreventionGenetics, part of Exact Sciences
Classification: Likely benign for CCM2-related condition. Last evaluated: 2020-05-15. Review status: no assertion criteria provided. Collection method: clinical testing. Allele origin: germline.
Comment: This variant is classified as likely benign based on ACMG/AMP sequence variant interpretation guidelines (Richards et al. 2015 PMID: 25741868, with internal and published modifications).